The following is an entry in ClinVar:

NM_030632.3(ASXL3):c.4367C>T (p.Pro1456Leu)

Gene: ASXL3 (ASXL transcriptional regulator 3; plus strand). Cytogenetic location: 18q12.1.
Variant type: single nucleotide variant.
Coding change: c.4367C>T on transcript NM_030632.3 (MANE Select); coding-DNA position 4367, C replaced by T.
Protein change: p.Pro1456Leu; replaces proline 1456 with leucine.
Molecular consequence: missense variant.
Genome position (GRCh38, 1-based): chr18:33,744,215, C>T. VCF-style: chr18-33744215-C-T. GRCh37 (hg19) VCF-style: chr18-31324179-C-T.
Other names: short protein forms P1456L.
Identifiers: ClinVar variation 1700933 (VCV001700933.2), dbSNP rs2145428035, ClinGen allele CA402190765.
Genomic context (GRCh38, chr18:33,744,215, plus strand): 5'-GCTTGGACAAAAATTCAGGGCCTCGAAACAGGGCAGATAATTCTGGAAAACCTCAGCAAC[C>T]ACCAGGGGGCTTTGCACCAGCAGCCATAAACCGATCAATTCCGTGTAAAGTCATCGTTGA-3'
Protein context (NP_085135.1, residues 1446-1466): RADNSGKPQQ[Pro1456Leu]PGGFAPAAIN

ClinVar aggregate classification (germline): Uncertain significance (1 of 4 stars; one submission).

Allele frequency attached by ClinVar (database versions not stated): gnomAD exomes below 0.00001.
gnomAD v4.1: 1 of 1,613,914 alleles (0.000062%); highest among the groups gnomAD compares: South Asian, 0.0011%; no homozygotes.

Submission:

GeneDx
Classification: Uncertain significance. Last evaluated: 2022-02-09. Review status: criteria provided, single submitter. Criteria: GeneDx Variant Classification Process June 2021. Collection method: clinical testing. Allele origin: germline. Affected: yes.
Comment: Not observed at significant frequency in large population cohorts (gnomAD); In silico analysis supports that this missense variant does not alter protein structure/function; Has not been previously published as pathogenic or benign to our knowledge